The following is an entry in ClinVar:

NM_001042492.3(NF1):c.5269-18G>A

Gene: NF1 (neurofibromin 1; plus strand). Cytogenetic location: 17q11.2.
Variant type: single nucleotide variant.
Coding change: c.5269-18G>A on transcript NM_001042492.3 (MANE Select); 18 bases into the intron before coding-DNA position 5269, G replaced by A.
Molecular consequence: intron variant.
Genome position (GRCh38, 1-based): chr17:31,327,481, G>A. VCF-style: chr17-31327481-G-A. GRCh37 (hg19) VCF-style: chr17-29654499-G-A.
Other names: c.5206-18G>A (NM_000267.4).
Identifiers: ClinVar variation 1658095 (VCV001658095.11), dbSNP rs371616556, ClinGen allele CA8487168.

ClinVar aggregate classification (germline): Likely benign. Review status: criteria provided, multiple submitters, no conflicts (2 of 4 stars). 4 submissions from 4 submitters: Likely benign (4). Last evaluated 2026-05-13.

Conditions:
Neurofibromatosis, familial spinal (FSNF). Identifiers: Orphanet 636, MedGen C1834235, MONDO:0008078, OMIM 162210. Disease mechanism: loss of function.
Neurofibromatosis, type 1 (NF1). Also called: NEUROFIBROMATOSIS, TYPE I, SOMATIC; Peripheral type neurofibromatosis; VON RECKLINGHAUSEN DISEASE; Neurofibromatosis, type I. Identifiers: Orphanet 636, MedGen C0027831, MONDO:0018975, OMIM 162200. Disease mechanism: loss of function.
Neurofibromatosis-Noonan syndrome (NFNS). Also called: NEUROFIBROMATOSIS WITH NOONAN PHENOTYPE. Identifiers: Orphanet 638, MedGen C2931482, MONDO:0011035, OMIM 601321. Disease mechanism: loss of function.
Café-au-lait macules with pulmonary stenosis (WTSN). Also called: PULMONIC STENOSIS WITH CAFE-AU-LAIT SPOTS. Identifiers: MedGen C0553586, MONDO:0008672, OMIM 193520.
Juvenile myelomonocytic leukemia (JMML). Also called: LEUKEMIA, JUVENILE MYELOMONOCYTIC, SOMATIC. Identifiers: Orphanet 86834, MedGen C0349639, MONDO:0011908, OMIM 607785, HP:0012209.

Allele frequency attached by ClinVar (database versions not stated): gnomAD 0.00001 and 0.00003; gnomAD exomes 0.00002 and 0.00004; ExAC 0.00004; ESP Exome Variant Server 0.00008.
gnomAD v4.1: 25 of 1,600,568 alleles (0.0016%); highest among the groups gnomAD compares: East Asian, 0.031%; no homozygotes.

Submissions (4):

Myriad Genetics, Inc.
Classification: Likely benign for Neurofibromatosis, type 1. Last evaluated: 2026-05-13. Review status: criteria provided, single submitter. Criteria: Myriad Autosomal Dominant, Autosomal Recessive and X-Linked Classification Criteria (2023). Collection method: clinical testing. Allele origin: unknown.
Comment: This variant is considered likely benign. This variant is intronic and is not expected to impact mRNA splicing.

Labcorp Genetics (formerly Invitae), Labcorp
Classification: Likely benign for Neurofibromatosis, type 1. Last evaluated: 2026-01-21. Review status: criteria provided, single submitter. Criteria: Invitae Variant Classification Sherloc (09022015). Collection method: clinical testing. Allele origin: germline.

Blueprint Genetics
Classification: Likely benign. Last evaluated: 2024-11-21. Review status: criteria provided, single submitter. Criteria: ACMG Guidelines, 2015. Collection method: clinical testing. Allele origin: germline.

Fulgent Genetics
Classification: Likely benign for Neurofibromatosis, type 1; Neurofibromatosis, familial spinal; Café-au-lait macules with pulmonary stenosis; Neurofibromatosis-Noonan syndrome; Juvenile myelomonocytic leukemia. Last evaluated: 2022-04-06. Review status: criteria provided, single submitter. Criteria: ACMG Guidelines, 2015. Collection method: clinical testing. Allele origin: unknown.